The following is an entry in ClinVar:

ClinVar aggregate classification (germline): Uncertain significance (1 of 4 stars; one submission).

Conditions:
Tietz syndrome (TADS). Also called: HYPOPIGMENTATION/DEAFNESS OF TIETZ; TIETZ ALBINISM-DEAFNESS SYNDROME; ALBINISM-DEAFNESS OF TIETZ. Identifiers: Orphanet 42665, MedGen C0391816, MONDO:0007077, OMIM 103500.
Waardenburg syndrome type 2A (WS2A). Also called: WAARDENBURG SYNDROME WITHOUT DYSTOPIA CANTHORUM. Identifiers: Orphanet 3440, MedGen C1860339, MONDO:0008671, OMIM 193510.
Melanoma, cutaneous malignant, susceptibility to, 8. Also called: MELANOMA AND RENAL CELL CARCINOMA, SUSCEPTIBILITY TO; Cutaneous malignant melanoma 8. Identifiers: Orphanet 293822, MedGen C3152204, MONDO:0013759, OMIM 614456.

Submission:

Labcorp Genetics (formerly Invitae), Labcorp
Classification: Uncertain significance for Melanoma, cutaneous malignant, susceptibility to, 8; Waardenburg syndrome type 2A; Tietz syndrome. Last evaluated: 2024-07-24. Review status: criteria provided, single submitter. Criteria: Invitae Variant Classification Sherloc (09022015). Collection method: clinical testing. Allele origin: germline.
Comment: This sequence change affects the initiator methionine of the MITF mRNA. The next in-frame methionine is located at codon 4. This variant is not present in population databases (gnomAD no frequency). This variant has not been reported in the literature in individuals affected with MITF-related conditions. Experimental studies and prediction algorithms are not available or were not evaluated, and the functional significance of this variant is currently unknown. In summary, the available evidence is currently insufficient to determine the role of this variant in disease. Therefore, it has been classified as a Variant of Uncertain Significance.

NM_000248.4(MITF):c.2T>C (p.Met1Thr)

Genes: MITF (melanocyte inducing transcription factor; plus strand), LOC107988030 (MITF-M promoter region; plus strand). Cytogenetic location: 3p13.
Variant type: single nucleotide variant.
Coding change: c.2T>C on transcript NM_000248.4 (MANE Plus Clinical); coding-DNA position 2, T replaced by C.
Protein change: p.Met1Thr; changes the start codon (methionine 1).
Molecular consequence: missense variant, initiator codon variant. On other transcripts: intron variant (9).
Genome position (GRCh38, 1-based): chr3:69,936,724, T>C. VCF-style: chr3-69936724-T-C. GRCh37 (hg19) VCF-style: chr3-69985875-T-C.
Other names: c.2T>C, p.Met1Thr (NM_001184968.2, NM_198158.3, NM_198178.3); c.304-1098T>C (NM_001354607.2); c.199-1098T>C (NM_001354608.2, NM_001184967.2); c.355-1098T>C (NM_001354604.2, NM_198159.3); c.352-1098T>C (NM_001354605.2, NM_001354606.2, NM_006722.3); c.307-1098T>C (NM_198177.3); short protein forms M1T.
Identifiers: ClinVar variation 3757375 (VCV003757375.2).